The following is an entry in ClinVar:

ClinVar aggregate classification (germline): Uncertain significance (1 of 4 stars; one submission).

Conditions:
Fanconi anemia (FA). Also called: Fanconi's anemia. Identifiers: Orphanet 84, MedGen C0015625, MeSH D005199, MONDO:0019391.

Submission:

Labcorp Genetics (formerly Invitae), Labcorp
Classification: Uncertain significance for Fanconi anemia. Last evaluated: 2023-08-29. Review status: criteria provided, single submitter. Criteria: Invitae Variant Classification Sherloc (09022015). Collection method: clinical testing. Allele origin: germline.
Comment: Advanced modeling of protein sequence and biophysical properties (such as structural, functional, and spatial information, amino acid conservation, physicochemical variation, residue mobility, and thermodynamic stability) performed at Invitae indicates that this missense variant is not expected to disrupt FANCB protein function. Algorithms developed to predict the effect of sequence changes on RNA splicing suggest that this variant may disrupt the consensus splice site. In summary, the available evidence is currently insufficient to determine the role of this variant in disease. Therefore, it has been classified as a Variant of Uncertain Significance. This variant has not been reported in the literature in individuals affected with FANCB-related conditions. This sequence change replaces lysine, which is basic and polar, with threonine, which is neutral and polar, at codon 529 of the FANCB protein (p.Lys529Thr). This variant is not present in population databases (gnomAD no frequency).

NM_001018113.3(FANCB):c.1586A>C (p.Lys529Thr)

Gene: FANCB (FA complementation group B; minus strand). Cytogenetic location: Xp22.2.
Variant type: single nucleotide variant.
Coding change: c.1586A>C on transcript NM_001018113.3 (MANE Select); coding-DNA position 1586, A replaced by C.
Protein change: p.Lys529Thr; replaces lysine 529 with threonine.
Molecular consequence: missense variant.
Genome position (GRCh38, 1-based): chrX:14,845,197, T>G on the plus strand (A>C on the coding strand, the complement: FANCB is on the minus strand). VCF-style: chrX-14845197-T-G. GRCh37 (hg19) VCF-style: chrX-14863319-T-G.
Other names: c.1586A>C, p.Lys529Thr (NM_001324162.2, NM_001410764.1, NM_152633.4); short protein forms K529T.
Identifiers: ClinVar variation 2800395 (VCV002800395.3), dbSNP rs905186149, ClinGen allele CA412440346.
Genomic context (GRCh38, chrX:14,845,197, plus strand): 5'-GCTTCCAATCCTATTTCACATGGCATCAAGTATGGTGCTGGGAAAGGATTTGTACTCAAC[T>G]TAATCACCCTATTTTGACACTTTAGAAGCCGAAATCTGGAGTCATGGGCTTGATCCATTA-3'
Protein context (NP_001018123.1, residues 519-539): RLLKCQNRVI[Lys529Thr]LSTNPFPAPY